The following is an entry in ClinVar:

NM_006662.3(SRCAP):c.5420C>T (p.Ala1807Val)

Gene: SRCAP (Snf2 related CREBBP activator protein; plus strand). Cytogenetic location: 16p11.2.
Variant type: single nucleotide variant.
Coding change: c.5420C>T on transcript NM_006662.3 (MANE Select); coding-DNA position 5420, C replaced by T.
Protein change: p.Ala1807Val; replaces alanine 1807 with valine.
Molecular consequence: missense variant.
Genome position (GRCh38, 1-based): chr16:30,724,844, C>T. VCF-style: chr16-30724844-C-T. GRCh37 (hg19) VCF-style: chr16-30736165-C-T.
Other names: short protein forms A1807V.
Identifiers: ClinVar variation 286326 (VCV000286326.40), dbSNP rs150467782, ClinGen allele CA8011966.
Genomic context (GRCh38, chr16:30,724,844, plus strand): 5'-CACTGACCTTGAGCCCTGCCCCAGTTCCTACCCTGGGCCCGGCCGCAGCTCAGACCTTGG[C>T]GCTGGCCCCAGCCTCCACACAGTCCCCAGCTTCCCAGGCATCTTCCCTTGTGGTTTCGGC-3'
Protein context (NP_006653.2, residues 1797-1817): TLGPAAAQTL[Ala1807Val]LAPASTQSPA

ClinVar aggregate classification (germline): Likely benign. Review status: criteria provided, multiple submitters, no conflicts (2 of 4 stars). 5 submissions from 5 submitters: Likely benign (4). 1 of the submissions does not count toward it. Last evaluated 2026-02-01.

Conditions:
SRCAP-related disorder. Also called: SRCAP-related condition.

Allele frequency attached by ClinVar (database versions not stated): TOPMed 0.00037; gnomAD exomes 0.00038; gnomAD 0.00039; 1000 Genomes Project 0.00040; ESP Exome Variant Server 0.00046; ExAC 0.00048; 1000 Genomes Project 30x 0.00062.
gnomAD v4.1: 725 of 1,614,016 alleles (0.045%); highest among the groups gnomAD compares: Non-Finnish European, 0.053%; 1 homozygote.

Submissions (5):

CeGaT Center for Human Genetics Tuebingen
Classification: Likely benign. Last evaluated: 2026-02-01. Review status: criteria provided, single submitter. Criteria: CeGaT Center For Human Genetics Tuebingen Variant Classification Criteria Version 2. Collection method: clinical testing. Allele origin: germline. Affected: yes. Observed: 3 variant alleles.
Comment: SRCAP: BS2

Labcorp Genetics (formerly Invitae), Labcorp
Classification: Likely benign. Last evaluated: 2025-10-19. Review status: criteria provided, single submitter. Criteria: Invitae Variant Classification Sherloc (09022015). Collection method: clinical testing. Allele origin: germline.

Blueprint Genetics
Classification: Likely benign. Last evaluated: 2024-10-29. Review status: criteria provided, single submitter. Criteria: ACMG Guidelines, 2015. Collection method: clinical testing. Allele origin: germline.

Eurofins Ntd Llc (ga)
Classification: Likely benign. Last evaluated: 2017-05-16. Review status: criteria provided, single submitter. Criteria: EGL Classification Definitions 2015. Collection method: clinical testing. Allele origin: germline. Observed: 3 variant alleles, 3 heterozygotes.

PreventionGenetics, part of Exact Sciences
Classification: Likely benign for SRCAP-related condition. Last evaluated: 2021-03-26. Review status: no assertion criteria provided. Collection method: clinical testing. Allele origin: germline. Not counted in ClinVar's aggregate classification.
Comment: This variant is classified as likely benign based on ACMG/AMP sequence variant interpretation guidelines (Richards et al. 2015 PMID: 25741868, with internal and published modifications).